The following is an entry in ClinVar:

ClinVar aggregate classification (germline): Uncertain significance. Review status: criteria provided, multiple submitters, no conflicts (2 of 4 stars). 2 submissions from 2 submitters: Uncertain significance (2). Last evaluated 2024-10-22.

Conditions:
Polycystic liver disease 4 with or without kidney cysts. Identifiers: MedGen C4693479, MONDO:0044327, OMIM 617875.
Exudative vitreoretinopathy 4 (EVR4). Identifiers: Orphanet 891, MedGen C1866176, MONDO:0011151, OMIM 601813.
Worth disease. Also called: Autosomal dominant osteosclerosis, Worth type; ENDOSTEAL HYPEROSTOSIS, AUTOSOMAL DOMINANT; OSTEOSCLEROSIS, AUTOSOMAL DOMINANT. Identifiers: Orphanet 2790, MedGen C0432273, MONDO:0007764, OMIM 144750.
Bone mineral density quantitative trait locus 1 (BMND1). Identifiers: MedGen C1866079, OMIM 601884.
Autosomal dominant osteopetrosis 1 (OPTA1). Also called: OSTEOPETROSIS, AUTOSOMAL DOMINANT, TYPE I. Identifiers: Orphanet 2783, MedGen C1843330, MONDO:0011877, OMIM 607634.
Osteoporosis with pseudoglioma (OPPG). Also called: osteoporosis-pseudoglioma syndrome. Identifiers: Orphanet 2788, MedGen C0432252, MONDO:0009820, OMIM 259770.

gnomAD v4.1: 15 of 1,614,068 alleles (0.00093%); highest among the groups gnomAD compares: Non-Finnish European, 0.0011%; no homozygotes.

Submissions (2):

Labcorp Genetics (formerly Invitae), Labcorp
Classification: Uncertain significance. Last evaluated: 2024-10-22. Review status: criteria provided, single submitter. Criteria: Invitae Variant Classification Sherloc (09022015). Collection method: clinical testing. Allele origin: germline.
Comment: This sequence change replaces tryptophan, which is neutral and slightly polar, with cysteine, which is neutral and slightly polar, at codon 993 of the LRP5 protein (p.Trp993Cys). This variant is present in population databases (rs756773762, gnomAD 0.002%). This variant has not been reported in the literature in individuals affected with LRP5-related conditions. Invitae Evidence Modeling of protein sequence and biophysical properties (such as structural, functional, and spatial information, amino acid conservation, physicochemical variation, residue mobility, and thermodynamic stability) indicates that this missense variant is expected to disrupt LRP5 protein function with a positive predictive value of 95%. In summary, the available evidence is currently insufficient to determine the role of this variant in disease. Therefore, it has been classified as a Variant of Uncertain Significance.

Fulgent Genetics
Classification: Uncertain significance for Worth disease; Osteoporosis with pseudoglioma; Exudative vitreoretinopathy 4; Bone mineral density quantitative trait locus 1; Autosomal dominant osteopetrosis 1; Polycystic liver disease 4 with or without kidney cysts. Last evaluated: 2024-05-21. Review status: criteria provided, single submitter. Criteria: ACMG Guidelines, 2015. Collection method: clinical testing. Allele origin: germline.

NM_002335.4(LRP5):c.2979G>C (p.Trp993Cys)

Gene: LRP5 (LDL receptor related protein 5; plus strand). Cytogenetic location: 11q13.2.
Variant type: single nucleotide variant.
Coding change: c.2979G>C on transcript NM_002335.4 (MANE Select); coding-DNA position 2979, G replaced by C.
Protein change: p.Trp993Cys; replaces tryptophan 993 with cysteine.
Molecular consequence: missense variant.
Genome position (GRCh38, 1-based): chr11:68,416,479, G>C. VCF-style: chr11-68416479-G-C. GRCh37 (hg19) VCF-style: chr11-68183947-G-C.
Other names: c.1236G>C, p.Trp412Cys (NM_001291902.2); short protein forms W412C, W993C.
Identifiers: ClinVar variation 3600220 (VCV003600220.3).
Genomic context (GRCh38, chr11:68,416,479, plus strand): 5'-GCATGGACTGAGGAACGTCAAAGCCATCGACTATGACCCACTGGACAAGTTCATCTACTG[G>C]GTGGATGGGCGCCAGAACATCAAGCGAGCCAAGGACGACGGGACCCAGGCAGGTGCCCTG-3'
Protein context (NP_002326.2, residues 983-1003): DYDPLDKFIY[Trp993Cys]VDGRQNIKRA